The following is an entry in ClinVar:

ClinVar aggregate classification (germline): Uncertain significance (1 of 4 stars; one submission).

Conditions:
TWIST1-related craniosynostosis (CRS1). Also called: CRANIOSYNOSTOSIS 1. Identifiers: Orphanet 63440, MedGen C4551902, MONDO:0007399, OMIM 123100. Inheritance: Heterogenous inheritance pattern.
Saethre-Chotzen syndrome (SCS). Also called: ACROCEPHALY, SKULL ASYMMETRY, AND MILD SYNDACTYLY; ACS III; CHOTZEN SYNDROME. Identifiers: Orphanet 794, MedGen C0175699, MONDO:0007042, OMIM 101400.

Submission:

Labcorp Genetics (formerly Invitae), Labcorp
Classification: Uncertain significance for TWIST1-related craniosynostosis; Saethre-Chotzen syndrome. Last evaluated: 2022-06-13. Review status: criteria provided, single submitter. Criteria: Invitae Variant Classification Sherloc (09022015). Collection method: clinical testing. Allele origin: germline.
Comment: In summary, the available evidence is currently insufficient to determine the role of this variant in disease. Therefore, it has been classified as a Variant of Uncertain Significance. Experimental studies and prediction algorithms are not available or were not evaluated, and the functional significance of this variant is currently unknown. This variant has not been reported in the literature in individuals affected with TWIST1-related conditions. This variant is not present in population databases (gnomAD no frequency). This sequence change results in a frameshift in the TWIST1 gene (p.His180Metfs*54). While this is not anticipated to result in nonsense mediated decay, it is expected to disrupt the last 23 amino acid(s) of the TWIST1 protein and extend the protein by 30 additional amino acid residues.

NM_000474.4(TWIST1):c.530_537dup (p.His180fs)

Genes: TWIST1 (twist family bHLH transcription factor 1; minus strand), LOC129998021 (ATAC-STARR-seq lymphoblastoid active region 25682; plus strand). Cytogenetic location: 7p21.1.
Variant type: Duplication.
Coding change: c.530_537dup on transcript NM_000474.4 (MANE Select); coding-DNA positions 530 to 537, 8 bases duplicated (ATGTGGCT; older notation c.530_537dupATGTGGCT).
Protein change: p.His180fs; shifts the reading frame from histidine 180.
Molecular consequence: frameshift variant. On other transcripts: non-coding transcript variant (1).
Genome position (GRCh38, 1-based): chr7:19,116,785-19,116,792, AGCCACAT duplicated on the plus strand (ATGTGGCT on the coding strand, the reverse complement: TWIST1 is on the minus strand); duplicating any 8 consecutive bases within chr7:19,116,785-19,116,795 gives the same sequence; the c. name uses the placement nearest the transcript's 3' end. VCF-style (leftmost placement, unchanged base first): chr7-19116784-G-GAGCCACAT. GRCh37 (hg19) VCF-style: chr7-19156407-G-GAGCCACAT.
Other names: short protein forms H180fs.
Identifiers: ClinVar variation 1495173 (VCV001495173.6), dbSNP rs2115396467, ClinGen allele CA2573142036.
Genomic context (GRCh38, chr7:19,116,784, plus strand): 5'-CGGACATGGACCAGGCCCCCTCCATCCTCCAGACCGAGAAGGCGTAGCTGAGCCGCTCGT[G>GAGCCACAT]AGCCACATAGCTGCAGCTTGCCATCTTGGAGTCCAGCTCGTCGCTCTGGAGGACCTGGTA-3'